The following is an entry in ClinVar:

ClinVar aggregate classification (germline): Uncertain significance (1 of 4 stars; one submission).

Submission:

Labcorp Genetics (formerly Invitae), Labcorp
Classification: Uncertain significance. Last evaluated: 2021-07-07. Review status: criteria provided, single submitter. Criteria: Invitae Variant Classification Sherloc (09022015). Collection method: clinical testing. Allele origin: germline.
Comment: In summary, the available evidence is currently insufficient to determine the role of this variant in disease. Therefore, it has been classified as a Variant of Uncertain Significance. Experimental studies and prediction algorithms are not available or were not evaluated, and the functional significance of this variant is currently unknown. This variant has not been reported in the literature in individuals affected with PLEKHM2-related conditions. This variant is present in population databases (rs766206014, ExAC 0.003%). This variant, c.2967_2969del, results in the deletion of 1 amino acid(s) of the PLEKHM2 protein (p.Lys990del), but otherwise preserves the integrity of the reading frame.

NM_015164.4(PLEKHM2):c.2964GAA[1] (p.Lys990del)

Gene: PLEKHM2 (pleckstrin homology and RUN domain containing M2; plus strand). Cytogenetic location: 1p36.21.
Variant type: Microsatellite.
Coding change: c.2964GAA[1] on transcript NM_015164.4 (MANE Select); one copy of the 3-base unit GAA starting at c.2964; the reference has two copies in a row; one copy, 3 bases deleted.
Protein change: p.Lys990del; deletes lysine 990.
Molecular consequence: inframe deletion.
Genome position (GRCh38, 1-based): chr1:15,733,841-15,733,843, GAA deleted; deleting any 3 consecutive bases within chr1:15,733,836-15,733,843 gives the same sequence; the position shown is the placement nearest the transcript's 3' end. VCF-style (leftmost placement, unchanged base first): chr1-15733835-CAAG-C. GRCh37 (hg19) VCF-style: chr1-16060330-CAAG-C.
Other names: short protein forms K990del.
Identifiers: ClinVar variation 1416914 (VCV001416914.8), dbSNP rs766206014, ClinGen allele CA617414.
Genomic context (GRCh38, chr1:15,733,835, plus strand): 5'-TTCTCTGCACGCCCCAACACAGGTGGACCTCCCCCACACGGCGATCCAGGAAGCCTCCAA[CAAG>C]AAGAAATTCGAGGATGCCTTGAGCCTCATCCACAGCGCCTGGCAGCGGAGCGACAGTCTC-3'